The following is an entry in ClinVar:

NM_003839.4(TNFRSF11A):c.323C>T (p.Thr108Ile)

Gene: TNFRSF11A (TNF receptor superfamily member 11a; plus strand). Cytogenetic location: 18q21.33.
Variant type: single nucleotide variant.
Coding change: c.323C>T on transcript NM_003839.4 (MANE Select); coding-DNA position 323, C replaced by T.
Protein change: p.Thr108Ile; replaces threonine 108 with isoleucine.
Molecular consequence: missense variant.
Genome position (GRCh38, 1-based): chr18:62,354,430, C>T. VCF-style: chr18-62354430-C-T. GRCh37 (hg19) VCF-style: chr18-60021663-C-T.
Other names: c.323C>T, p.Thr108Ile (NM_001270949.2, NM_001270950.2, NM_001270951.2 and 1 more transcripts); short protein forms T108I.
Identifiers: ClinVar variation 1520204 (VCV001520204.6), dbSNP rs376617343, ClinGen allele CA301693594.

ClinVar aggregate classification (germline): Uncertain significance (1 of 4 stars; one submission).

Allele frequency attached by ClinVar (database versions not stated): gnomAD exomes below 0.00001; TOPMed below 0.00001; ESP Exome Variant Server 0.00008.
gnomAD v4.1: 6 of 1,595,212 alleles (0.00038%); highest among the groups gnomAD compares: Non-Finnish European, 0.00051%; no homozygotes.

Submission:

Labcorp Genetics (formerly Invitae), Labcorp
Classification: Uncertain significance. Last evaluated: 2024-04-19. Review status: criteria provided, single submitter. Criteria: Invitae Variant Classification Sherloc (09022015). Collection method: clinical testing. Allele origin: germline.
Comment: This sequence change replaces threonine, which is neutral and polar, with isoleucine, which is neutral and non-polar, at codon 108 of the TNFRSF11A protein (p.Thr108Ile). This variant is not present in population databases (gnomAD no frequency). This variant has not been reported in the literature in individuals affected with TNFRSF11A-related conditions. ClinVar contains an entry for this variant (Variation ID: 1520204). Advanced modeling of protein sequence and biophysical properties (such as structural, functional, and spatial information, amino acid conservation, physicochemical variation, residue mobility, and thermodynamic stability) performed at Invitae indicates that this missense variant is not expected to disrupt TNFRSF11A protein function with a negative predictive value of 80%. In summary, the available evidence is currently insufficient to determine the role of this variant in disease. Therefore, it has been classified as a Variant of Uncertain Significance.